The following is an entry in ClinVar:

NM_007294.4(BRCA1):c.5479A>G (p.Met1827Val)

Gene: BRCA1 (BRCA1 DNA repair associated; minus strand). Cytogenetic location: 17q21.31.
Variant type: single nucleotide variant.
Coding change: c.5479A>G on transcript NM_007294.4 (MANE Select); coding-DNA position 5479, A replaced by G.
Protein change: p.Met1827Val; replaces methionine 1827 with valine.
Molecular consequence: missense variant. On other transcripts: non-coding transcript variant (1).
Genome position (GRCh38, 1-based): chr17:43,045,791, T>C on the plus strand (A>G on the coding strand, the complement: BRCA1 is on the minus strand). VCF-style: chr17-43045791-T-C. GRCh37 (hg19) VCF-style: chr17-41197808-T-C.
Other names: c.5266A>G, p.Met1756Val (NM_001407571.1, NM_001407894.1, NM_001407908.1 and 12 more transcripts); c.5545A>G, p.Met1849Val (NM_001407581.1, NM_001407582.1); c.5542A>G, p.Met1848Val (NM_001407583.1, NM_001407585.1, NM_001407587.1 and 1 more transcripts); c.5539A>G, p.Met1847Val (NM_001407590.1, NM_001407591.1); c.5479A>G, p.Met1827Val (NM_001407593.1, NM_001407594.1, NM_001407596.1 and 5 more transcripts); c.5476A>G, p.Met1826Val (NM_001407615.1, NM_001407616.1, NM_001407617.1 and 14 more transcripts); c.5473A>G, p.Met1825Val (NM_001407634.1, NM_001407635.1, NM_001407636.1 and 13 more transcripts); c.5398A>G, p.Met1800Val (NM_001407656.1, NM_001407657.1, NM_001407658.1); and 83 more; short protein forms M1848V, M1780V, M1827V, M723V, D698G, D1754G, D1755G, D1759G.
Identifiers: ClinVar variation 844324 (VCV000844324.17), dbSNP rs771606902, ClinGen allele CA055189.
Genomic context (GRCh38, chr17:43,045,791, plus strand): 5'-ACTGGTAGAGTGCTACACTGTCCAACACCCACTCTCGGGTCACCACAGGTGCCTCACACA[T>C]CTGCCCAATTGCTGGAGACAGAGAACACAAGCAGAGATTAGTGTCAATTCATTCTCCTGG-3'
Protein context (NP_009225.1, residues 1817-1837): EDNGFHAIGQ[Met1827Val]CEAPVVTREW

ClinVar aggregate classification (germline): Conflicting classifications of pathogenicity. Review status: criteria provided, conflicting classifications (1 of 4 stars). 4 submissions from 4 submitters: Uncertain significance (3); Likely benign (1). Last evaluated 2025-05-22.

Conditions:
Hereditary breast ovarian cancer syndrome. Also called: Hereditary breast and/or ovarian cancer syndrome; BRCA1- and BRCA2-Associated Hereditary Breast and Ovarian Cancer; Hereditary breast and ovarian cancer syndrome; Hereditary breast and ovarian cancer; Hereditary breast and ovarian cancer syndrome (HBOC); Breast and ovarian cancer. Identifiers: Orphanet 145, MedGen C0677776, MeSH D061325, MONDO:0003582. Disease mechanism: loss of function.
Breast-ovarian cancer, familial, susceptibility to, 1 (BROVCA1). Also called: BRCA1 Hereditary Breast and Ovarian Cancer; OVARIAN CANCER, SUSCEPTIBILITY TO. Identifiers: Orphanet 145, MedGen C2676676, MONDO:0011450, OMIM 604370. Disease mechanism: loss of function.
Hereditary cancer-predisposing syndrome. Also called: Tumor predisposition; Hereditary Cancer Syndrome; Hereditary neoplastic syndrome; Neoplastic Syndromes, Hereditary. Identifiers: Orphanet 140162, MedGen C0027672, MeSH D009386, MONDO:0015356.

Allele frequency attached by ClinVar (database versions not stated): gnomAD exomes below 0.00001 and 0.00001; ExAC 0.00002.

Submissions (5):

Labcorp Genetics (formerly Invitae), Labcorp
Classification: Uncertain significance for Hereditary breast ovarian cancer syndrome. Last evaluated: 2025-05-22. Review status: criteria provided, single submitter. Criteria: Invitae Variant Classification Sherloc (09022015). Collection method: clinical testing. Allele origin: germline.
Comment: This sequence change replaces methionine, which is neutral and non-polar, with valine, which is neutral and non-polar, at codon 1827 of the BRCA1 protein (p.Met1827Val). This variant is present in population databases (rs771606902, gnomAD 0.006%). This variant has not been reported in the literature in individuals affected with BRCA1-related conditions. ClinVar contains an entry for this variant (Variation ID: 844324). Invitae Evidence Modeling incorporating data from in vitro experimental studies (PMID: 30209399) indicates that this missense variant is not expected to disrupt BRCA1 function with a negative predictive value of 95%. Experimental studies have shown that this missense change does not substantially affect BRCA1 function (PMID: 30209399). In summary, the available evidence is currently insufficient to determine the role of this variant in disease. Therefore, it has been classified as a Variant of Uncertain Significance.

Lupski Lab, Baylor-Hopkins CMG, Baylor College of Medicine
Classification: Likely benign for Breast-ovarian cancer, familial, susceptibility to, 1. Last evaluated: 2024-04-12. Review status: criteria provided, single submitter. Criteria: Dawood et al. (medRxiv. 2024). Collection method: curation. Allele origin: germline.
Comment: Each variant was annotated with functional scores from MAVE data which was translated into functional evidence codes. All other evidence codes and combining criteria were adhered to as closely as possible based on the ClinGen VCEP (Variant Curation Expert Panel) gene-specific recommendations. See Supplemental Figure 34 of final paper (Supp Fig. 28 in preprint: doi:10.1101/2024.04.11.24305690) for a table to see which lines of evidence we did not have data for. The ClinGen VCEPs are highly regarded as the gold-standard for gene-specific variant curation and are developed after extensive evaluation of the evidence by clinical and scientific experts for the particular gene to classify genomic variants on a spectrum from pathogenic to benign using the 2015 ACMG/AMP Variant Interpretation Guidelines as a backbone (PMID: 25741868). Reclassification of these VUS variants from gnomAD or All of Us focused only on variants originally prescribed as VUS in ClinVar. To ensure reproducibility, transparency, and increased throughput, all the procedures for annotating variants and assigning evidence codes were codified using Python. All code has been made freely available and is linked in the Code Availability section and all reclassified variants with evidence codes used can be found in Tables S18-19 (preprint: doi:10.1101/2024.04.11.24305690). For the MAVE data, the clinical curation and clinical strength assignment as per the ClinGen recommendations in Brnich et al. (2020) (PMID: 31892348) for or against pathogenicity or benignity of each of these MAVE datasets utilized in this study were previously published in Fayer et al. (2021) (PMID: 34793697).In brief, for BRCA1 variants, if a variant was categorized as FUNC (functional), it was assigned BS3 evidence and no PS3 evidence, whereas if it was categorized as LOF (loss of function), the variant was assigned PS3 evidence and no BS3 evidence. Variants categorized as INT (intermediate) were left unannotated. For the BRCA1 combining criteria, greater than or equal to 1 criteria of strong benign evidence was enough to reclassify the VUS as Likely Benign. This variant GRCh37:17:41197808:T>C was assigned evidence codes ['BS3', 'BP4'] and an overall classification of Likely Benign

Baylor Genetics
Classification: Uncertain significance for Breast-ovarian cancer, familial, susceptibility to, 1. Last evaluated: 2024-01-02. Review status: criteria provided, single submitter. Criteria: ACMG Guidelines, 2015. Collection method: clinical testing. Allele origin: unknown.

Ambry Genetics
Classification: Uncertain significance for Hereditary cancer-predisposing syndrome. Last evaluated: 2020-03-02. Review status: criteria provided, single submitter. Criteria: Ambry Variant Classification Scheme 2023. Collection method: clinical testing. Allele origin: germline.
Comment: The p.M1827V variant (also known as c.5479A>G), located in coding exon 22 of the BRCA1 gene, results from an A to G substitution at nucleotide position 5479. The methionine at codon 1827 is replaced by valine, an amino acid with highly similar properties. This amino acid position is not well conserved in available vertebrate species. In addition, this alteration is predicted to be tolerated by in silico analysis. Since supporting evidence is limited at this time, the clinical significance of this alteration remains unclear.

Brotman Baty Institute, University of Washington
No classification provided (evidence only). Condition: Breast-ovarian cancer, familial 1. Review status: no classification provided. Collection method: in vitro. Allele origin: not applicable. Functional consequence: functionally_normal. Not counted in ClinVar's aggregate classification.
ClinVar note: "not provided" was previously submitted as the classification for the variant. However, the classification appeared to be based only on an observation of functional data so it was converted to no classification on 2025-07-30.

Literature cited by the submitters: PubMed 30209399 (cited by Labcorp Genetics (formerly Invitae), Labcorp); PubMed 39142283 (cited by Lupski Lab, Baylor-Hopkins CMG, Baylor College of Medicine); PubMed 34793697 (cited by Lupski Lab, Baylor-Hopkins CMG, Baylor College of Medicine); DOI 10.1101/2024.04.11.24305690 (cited by Lupski Lab, Baylor-Hopkins CMG, Baylor College of Medicine).